The following is an entry in ClinVar:

ClinVar aggregate classification (germline): Uncertain significance (1 of 4 stars; one submission).

Submission:

GeneDx
Classification: Uncertain significance. Last evaluated: 2026-02-19. Review status: criteria provided, single submitter. Criteria: GeneDx Variant Classification Process June 2021. Collection method: clinical testing. Allele origin: germline.
Comment: Not observed at significant frequency in large population cohorts (gnomAD); In silico analysis suggests that this missense variant does not alter protein structure/function; Has not been previously published as pathogenic or benign to our knowledge

NM_014712.3(SETD1A):c.3871C>T (p.Pro1291Ser)

Gene: SETD1A (SET domain containing 1A, histone lysine methyltransferase; plus strand). Cytogenetic location: 16p11.2.
Variant type: single nucleotide variant.
Coding change: c.3871C>T on transcript NM_014712.3 (MANE Select); coding-DNA position 3871, C replaced by T.
Protein change: p.Pro1291Ser; replaces proline 1291 with serine.
Molecular consequence: missense variant.
Genome position (GRCh38, 1-based): chr16:30,979,657, C>T. VCF-style: chr16-30979657-C-T. GRCh37 (hg19) VCF-style: chr16-30990978-C-T.
Other names: short protein forms P1291S.
Identifiers: ClinVar variation 4976597 (VCV004976597.1).